The following is an entry in ClinVar:

ClinVar aggregate classification (germline): Conflicting classifications of pathogenicity. Review status: criteria provided, conflicting classifications (1 of 4 stars). 2 submissions from 2 submitters: Uncertain significance (1); Likely benign (1). Last evaluated 2025-12-22.

Conditions:
Renal cell carcinoma. Identifiers: Orphanet 217071, MedGen C0007134, MeSH D002292, MONDO:0005086, HP:0005584.
Hereditary cancer-predisposing syndrome. Also called: Hereditary neoplastic syndrome; Tumor predisposition; Neoplastic Syndromes, Hereditary; Hereditary Cancer Syndrome. Identifiers: Orphanet 140162, MedGen C0027672, MeSH D009386, MONDO:0015356.

Allele frequency attached by ClinVar (database versions not stated): gnomAD exomes below 0.00001 and 0.00001; ExAC 0.00001.
gnomAD v4.1: 3 of 1,613,816 alleles (0.00019%); highest among the groups gnomAD compares: Admixed American, 0.0017%; no homozygotes.

Submissions (2):

Ambry Genetics
Classification: Likely benign for Hereditary cancer-predisposing syndrome. Last evaluated: 2025-12-22. Review status: criteria provided, single submitter. Criteria: Ambry Variant Classification Scheme 2023. Collection method: clinical testing. Allele origin: germline.

Labcorp Genetics (formerly Invitae), Labcorp
Classification: Uncertain significance for Renal cell carcinoma. Last evaluated: 2023-09-11. Review status: criteria provided, single submitter. Criteria: Invitae Variant Classification Sherloc (09022015). Collection method: clinical testing. Allele origin: germline.
Comment: This sequence change replaces serine, which is neutral and polar, with asparagine, which is neutral and polar, at codon 923 of the MET protein (p.Ser923Asn). This variant is present in population databases (rs753091019, gnomAD 0.003%). This variant has not been reported in the literature in individuals affected with MET-related conditions. ClinVar contains an entry for this variant (Variation ID: 1385244). Advanced modeling of protein sequence and biophysical properties (such as structural, functional, and spatial information, amino acid conservation, physicochemical variation, residue mobility, and thermodynamic stability) performed at Invitae indicates that this missense variant is not expected to disrupt MET protein function. In summary, the available evidence is currently insufficient to determine the role of this variant in disease. Therefore, it has been classified as a Variant of Uncertain Significance.

NM_000245.4(MET):c.2714G>A (p.Ser905Asn)

Gene: MET (MET proto-oncogene, receptor tyrosine kinase; plus strand). Cytogenetic location: 7q31.2.
Variant type: single nucleotide variant.
Coding change: c.2714G>A on transcript NM_000245.4 (MANE Select); coding-DNA position 2714, G replaced by A.
Protein change: p.Ser905Asn; replaces serine 905 with asparagine.
Molecular consequence: missense variant.
Genome position (GRCh38, 1-based): chr7:116,769,775, G>A. VCF-style: chr7-116769775-G-A. GRCh37 (hg19) VCF-style: chr7-116409829-G-A.
Other names: c.2768G>A, p.Ser923Asn (NM_001127500.3); c.2714G>A, p.Ser905Asn (NM_001324401.3); c.1424G>A, p.Ser475Asn (NM_001324402.2); c.2768G>A (NM_001127500.1); short protein forms S475N, S905N, S923N.
Identifiers: ClinVar variation 1385244 (VCV001385244.10), dbSNP rs753091019, ClinGen allele CA4448554.
Genomic context (GRCh38, chr7:116,769,775, plus strand): 5'-TACACTTACATTCTGAAGCCGTTTTATGCACGGTCCCCAATGACCTGCTGAAATTGAACA[G>A]CGAGCTAAATATAGAGGTGGGATTCCTGCATTCCTCTCATGATGTAAATAAGGAAGCCAG-3'
Protein context (NP_000236.2, residues 895-915): TVPNDLLKLN[Ser905Asn]ELNIEWKQAI